The following is an entry in ClinVar:

ClinVar aggregate classification (germline): Pathogenic/Likely pathogenic. Review status: criteria provided, multiple submitters, no conflicts (2 of 4 stars). 3 submissions from 3 submitters: Pathogenic (2); Likely pathogenic (1). Last evaluated 2026-06-03.

Conditions:
MYO7A-related disorder. Also called: MYO7A-related disorders.
Usher syndrome type 1 (USH1). Also called: RETINITIS PIGMENTOSA AND CONGENITAL DEAFNESS. Identifiers: Orphanet 231169, Orphanet 886, MedGen C1568247, MONDO:0010168, OMIM 276900.

Submissions (3):

Myriad Genetics, Inc.
Classification: Pathogenic for Usher syndrome type 1. Last evaluated: 2026-06-03. Review status: criteria provided, single submitter. Criteria: Myriad Autosomal Dominant, Autosomal Recessive and X-Linked Classification Criteria (2023). Collection method: clinical testing. Allele origin: unknown.
Comment: NM_000260.3(MYO7A):c.3851_3878dup28(K1294Qfs*23) is a frameshift variant classified as pathogenic in the context of MYO7A-related disorders. K1294Qfs*23 has been observed in a case with relevant disease (PMID: 28944237). Relevant functional assessments of this variant are not available in the literature. K1294Qfs*23 has not been observed in referenced population frequency databases. In summary, NM_000260.3(MYO7A):c.3851_3878dup28(K1294Qfs*23) is a frameshift variant in a gene where loss of function is a known mechanism of disease and is predicted to disrupt protein function. Please note: this variant was assessed in the context of healthy population screening.

CeGaT Center for Human Genetics Tuebingen
Classification: Pathogenic. Last evaluated: 2024-09-01. Review status: criteria provided, single submitter. Criteria: CeGaT Center For Human Genetics Tuebingen Variant Classification Criteria Version 2. Collection method: clinical testing. Allele origin: germline. Affected: yes. Observed: 1 variant allele.
Comment: MYO7A: PVS1, PM2, PM3:Supporting

Blueprint Genetics
Classification: Likely pathogenic for MYO7A-related disorders. Last evaluated: 2020-04-16. Review status: criteria provided, single submitter. Criteria: ACMG Guidelines, 2015. Collection method: clinical testing. Allele origin: germline. Affected: yes. Observed: 1 variant allele.

Literature cited by the submitters: PubMed 28944237 (cited by Myriad Genetics, Inc.).

NM_000260.4(MYO7A):c.3851_3878dup (p.Lys1294fs)

Gene: MYO7A (myosin VIIA; plus strand). Cytogenetic location: 11q13.5.
Variant type: Duplication.
Coding change: c.3851_3878dup on transcript NM_000260.4 (MANE Select); coding-DNA positions 3851 to 3878, 28 bases duplicated (GCAACGCGCTGGCCGACAAGATCTCTCT).
Protein change: p.Lys1294fs; shifts the reading frame from lysine 1294.
Molecular consequence: frameshift variant.
Genome position (GRCh38, 1-based): chr11:77,190,797-77,190,824, GCAACGCGCTGGCCGACAAGATCTCTCT duplicated; duplicating any 28 consecutive bases within chr11:77,190,793-77,190,824 gives the same sequence; the c. name uses the placement nearest the transcript's 3' end. VCF-style (leftmost placement, unchanged base first): chr11-77190792-G-GCTCTGCAACGCGCTGGCCGACAAGATCT. GRCh37 (hg19) VCF-style: chr11-76901837-G-GCTCTGCAACGCGCTGGCCGACAAGATCT.
Other names: c.3851_3878dup, p.Lys1294fs (NM_001127180.2); c.3818_3845dup, p.Lys1283fs (NM_001369365.1); short protein forms K1283fs, K1294fs.
Identifiers: ClinVar variation 3342238 (VCV003342238.18).